The following is an entry in ClinVar:

NM_000152.5(GAA):c.1636+28G>T

Gene: GAA (alpha glucosidase; plus strand). Cytogenetic location: 17q25.3.
Variant type: single nucleotide variant.
Coding change: c.1636+28G>T on transcript NM_000152.5 (MANE Select); 28 bases into the intron after coding-DNA position 1636, G replaced by T.
Molecular consequence: intron variant.
Genome position (GRCh38, 1-based): chr17:80,111,053, G>T. VCF-style: chr17-80111053-G-T. GRCh37 (hg19) VCF-style: chr17-78084852-G-T.
Other names: p.?; c.1636+28G>T (NM_001406741.1, NM_001406742.1, NM_001079803.3 and 1 more transcripts).
Identifiers: ClinVar variation 4542226 (VCV004542226.1).
Genomic context (GRCh38, chr17:80,111,053, plus strand): 5'-ACAATGAGCTGGAGAACCCACCCTACGTGCCTGGTCAGCTCGCCCCCCACCTACCCTGGG[G>T]ACTTAATCAAATCAGAGACTCCCTTGTCTGGCCTGGGAGACTTAGCACCCTCATCTCTGA-3'

ClinVar aggregate classification (germline): Uncertain significance (1 of 4 stars; one submission).

gnomAD v4.1: 291 of 1,606,390 alleles (0.018%); highest among the groups gnomAD compares: Non-Finnish European, 0.0037%; no homozygotes.

Submission:

Mayo Clinic Laboratories, Mayo Clinic
Classification: Uncertain significance. Last evaluated: 2025-05-07. Review status: criteria provided, single submitter. Criteria: ACMG Guidelines, 2015. Collection method: clinical testing. Allele origin: germline. Observed: 1 variant allele.
Comment: BS1, PP3